The following is an entry in ClinVar:

NM_006180.6(NTRK2):c.31G>T (p.Ala11Ser)

Gene: NTRK2 (neurotrophic receptor tyrosine kinase 2; plus strand). Cytogenetic location: 9q21.33.
Variant type: single nucleotide variant.
Coding change: c.31G>T on transcript NM_006180.6 (MANE Select); coding-DNA position 31, G replaced by T.
Protein change: p.Ala11Ser; replaces alanine 11 with serine.
Molecular consequence: missense variant.
Genome position (GRCh38, 1-based): chr9:84,670,779, G>T. VCF-style: chr9-84670779-G-T. GRCh37 (hg19) VCF-style: chr9-87285694-G-T.
Other names: c.31G>T, p.Ala11Ser (NM_001007097.3, NM_001018064.3, NM_001018065.2 and 18 more transcripts); short protein forms A11S.
Identifiers: ClinVar variation 598633 (VCV000598633.32), dbSNP rs78936193, ClinGen allele CA5105392.

ClinVar aggregate classification (germline): Conflicting classifications of pathogenicity. Review status: criteria provided, conflicting classifications (1 of 4 stars). 5 submissions from 5 submitters: Uncertain significance (1); Benign (1); Likely benign (2). 1 of the submissions does not count toward it. Last evaluated 2025-12-05.

Conditions:
NTRK2-related disorder. Also called: NTRK2-related condition.

Allele frequency attached by ClinVar (database versions not stated): TOPMed 0.00031; gnomAD 0.00051; ESP Exome Variant Server 0.00062; 1000 Genomes Project 0.00120; 1000 Genomes Project 30x 0.00125.
gnomAD v4.1: 100 of 1,613,778 alleles (0.0062%); highest among the groups gnomAD compares: African/African-American, 0.11%; no homozygotes.

Submissions (5):

Labcorp Genetics (formerly Invitae), Labcorp
Classification: Likely benign. Last evaluated: 2025-12-05. Review status: criteria provided, single submitter. Criteria: Invitae Variant Classification Sherloc (09022015). Collection method: clinical testing. Allele origin: germline.

CeGaT Center for Human Genetics Tuebingen
Classification: Likely benign. Last evaluated: 2024-11-01. Review status: criteria provided, single submitter. Criteria: CeGaT Center For Human Genetics Tuebingen Variant Classification Criteria Version 2. Collection method: clinical testing. Allele origin: germline. Affected: yes. Observed: 1 variant allele.
Comment: NTRK2: BP4, BS1

Eurofins Ntd Llc (ga)
Classification: Uncertain significance. Last evaluated: 2018-09-04. Review status: criteria provided, single submitter. Criteria: EGL ClinVar v180209 classification definitions. Collection method: clinical testing. Allele origin: germline. Observed: 1 variant allele, 1 heterozygote.

Genetic Services Laboratory, University of Chicago
Classification: Benign. Last evaluated: 2017-08-23. Review status: criteria provided, single submitter. Criteria: ACMG Guidelines, 2015. Collection method: clinical testing. Allele origin: germline. Affected: no.

PreventionGenetics, part of Exact Sciences
Classification: Likely benign for NTRK2-related condition. Last evaluated: 2021-10-04. Review status: no assertion criteria provided. Collection method: clinical testing. Allele origin: germline. Not counted in ClinVar's aggregate classification.
Comment: This variant is classified as likely benign based on ACMG/AMP sequence variant interpretation guidelines (Richards et al. 2015 PMID: 25741868, with internal and published modifications).